The following is an entry in ClinVar:

ClinVar aggregate classification (germline): Uncertain significance (1 of 4 stars; one submission).

Conditions:
Hereditary cancer-predisposing syndrome. Also called: Neoplastic Syndromes, Hereditary; Tumor predisposition; Hereditary neoplastic syndrome; Hereditary Cancer Syndrome. Identifiers: Orphanet 140162, MedGen C0027672, MeSH D009386, MONDO:0015356.

Submission:

Ambry Genetics
Classification: Uncertain significance for Hereditary cancer-predisposing syndrome. Last evaluated: 2026-06-17. Review status: criteria provided, single submitter. Criteria: Ambry Variant Classification Scheme 2023. Collection method: clinical testing. Allele origin: germline.
Comment: The p.Q470E variant (also known as c.1408C>G), located in coding exon 13 of the NF2 gene, results from a C to G substitution at nucleotide position 1408. The glutamine at codon 470 is replaced by glutamic acid, an amino acid with highly similar properties. This amino acid position is conserved. In addition, this alteration is predicted to be tolerated by in silico analysis. Based on the available evidence, the clinical significance of this variant remains unclear.

NM_000268.4(NF2):c.1408C>G (p.Gln470Glu)

Gene: NF2 (NF2, moesin-ezrin-radixin like (MERLIN) tumor suppressor; plus strand). Cytogenetic location: 22q12.2.
Variant type: single nucleotide variant.
Coding change: c.1408C>G on transcript NM_000268.4 (MANE Select); coding-DNA position 1408, C replaced by G.
Protein change: p.Gln470Glu; replaces glutamine 470 with glutamic acid.
Molecular consequence: missense variant. On other transcripts: non-coding transcript variant (1), intron variant (1).
Genome position (GRCh38, 1-based): chr22:29,674,903, C>G. VCF-style: chr22-29674903-C-G. GRCh37 (hg19) VCF-style: chr22-30070892-C-G.
Other names: c.1294C>G, p.Gln432Glu (NM_001407053.1, NM_001407056.1); c.1285C>G, p.Gln429Glu (NM_001407054.1, NM_001407058.1, NM_181829.3); c.1282C>G, p.Gln428Glu (NM_001407055.1, NM_181828.3); c.1273C>G, p.Gln425Glu (NM_001407057.1, NM_001407059.1); c.1408C>G, p.Gln470Glu (NM_001407060.1, NM_001407066.1, NM_016418.5 and 2 more transcripts); c.1150C>G, p.Gln384Glu (NM_001407062.1); c.1159C>G, p.Gln387Glu (NM_001407063.1, NM_001407064.1, NM_181830.3 and 1 more transcripts); c.874C>G, p.Gln292Glu (NM_001407065.1); and 2 more; short protein forms Q387E, Q292E, Q429E, Q384E, Q425E, Q393E, Q428E, Q432E.
Identifiers: ClinVar variation 5025678 (VCV005025678.1).